The following is an entry in ClinVar:

ClinVar aggregate classification (germline): Conflicting classifications of pathogenicity. Review status: criteria provided, conflicting classifications (1 of 4 stars). 4 submissions from 4 submitters: Pathogenic (1); Likely pathogenic (1); Uncertain significance (1). 1 of the submissions does not count toward it. Last evaluated 2025-07-14.

Conditions:
Noonan syndrome (NS). Also called: Noonan's syndrome. Identifiers: Orphanet 648, MedGen C0028326, MeSH D009634, MONDO:0018997. Disease mechanism: gain of function.
Cardiofaciocutaneous syndrome 1 (CFC1). Also called: BRAF-Related Cardiofaciocutaneous Syndrome. Identifiers: Orphanet 1340, MedGen CN029449, MONDO:0007265, OMIM 115150. Disease mechanism: gain of function.
BRAF-related disorder. Also called: BRAF-related condition.

Submissions (4):

GeneDx
Classification: Pathogenic. Last evaluated: 2025-07-14. Review status: criteria provided, single submitter. Criteria: GeneDx Variant Classification Process June 2021. Collection method: clinical testing. Allele origin: germline. Affected: yes.
Comment: Not observed at significant frequency in large population cohorts (gnomAD); Missense variants in this gene are a common cause of disease and they are underrepresented in the general population; In silico analysis supports that this missense variant has a deleterious effect on protein structure/function; Has not been published previously as a germline pathogenic variant, nor as a benign variant, to our knowledge.; This variant is associated with the following publications: (PMID: 24210172, 29493581)

Genomic Medicine Center of Excellence, King Faisal Specialist Hospital and Research Centre
Classification: Uncertain significance for Cardiofaciocutaneous syndrome 1. Last evaluated: 2024-03-26. Review status: criteria provided, single submitter. Criteria: ACMG Guidelines, 2015. Collection method: clinical testing. Allele origin: germline.

Blueprint Genetics
Classification: Likely pathogenic for BRAF-related disorders. Last evaluated: 2024-03-08. Review status: criteria provided, single submitter. Criteria: ACMG Guidelines, 2015. Collection method: clinical testing. Allele origin: germline. Affected: yes. Observed: 3 variant alleles.

Service de Génétique Moléculaire, Hôpital Robert Debré
Classification: Likely pathogenic for Noonan syndrome. Review status: no assertion criteria provided. Collection method: clinical testing. Allele origin: de novo. Affected: yes. Not counted in ClinVar's aggregate classification.

NM_004333.6(BRAF):c.2191C>T (p.Pro731Ser)

Gene: BRAF (B-Raf proto-oncogene, serine/threonine kinase; minus strand). Cytogenetic location: 7q34.
Variant type: single nucleotide variant.
Coding change: c.2191C>T on transcript NM_004333.6 (MANE Select); coding-DNA position 2191, C replaced by T.
Protein change: p.Pro731Ser; replaces proline 731 with serine.
Molecular consequence: missense variant. On other transcripts: intron variant (2).
Genome position (GRCh38, 1-based): chr7:140,734,707, G>A on the plus strand (C>T on the coding strand, the complement: BRAF is on the minus strand). VCF-style: chr7-140734707-G-A. GRCh37 (hg19) VCF-style: chr7-140434507-G-A.
Other names: c.2191C>T, p.Pro731Ser (NM_001354609.2); c.2311C>T, p.Pro771Ser (NM_001374244.1, NM_001374258.1); c.2200C>T, p.Pro734Ser (NM_001378467.1); c.2125C>T, p.Pro709Ser (NM_001378469.1); c.2089C>T, p.Pro697Ser (NM_001378470.1); c.2080C>T, p.Pro694Ser (NM_001378471.1); c.2035C>T, p.Pro679Ser (NM_001378472.1, NM_001378473.1); c.1927C>T, p.Pro643Ser (NM_001378475.1); and 1 more; short protein forms P731S, P643S, P679S, P694S, P697S, P709S, P734S, P771S.
Identifiers: ClinVar variation 561696 (VCV000561696.6), dbSNP rs1562931107, ClinGen allele CA369537252.